The following is an entry in ClinVar:

NM_182961.4(SYNE1):c.16485G>A (p.Lys5495=)

Gene: SYNE1 (spectrin repeat containing nuclear envelope protein 1; minus strand). Cytogenetic location: 6q25.2.
Variant type: single nucleotide variant.
Coding change: c.16485G>A on transcript NM_182961.4 (MANE Select); coding-DNA position 16485, G replaced by A.
Protein change: p.Lys5495=; no amino-acid change (lysine 5495 retained).
Molecular consequence: synonymous variant.
Genome position (GRCh38, 1-based): chr6:152,318,168, C>T on the plus strand (G>A on the coding strand, the complement: SYNE1 is on the minus strand). VCF-style: chr6-152318168-C-T. GRCh37 (hg19) VCF-style: chr6-152639303-C-T.
Other names: c.16272G>A, p.Lys5424= (NM_033071.5).
Identifiers: ClinVar variation 509532 (VCV000509532.1), dbSNP rs1554432702, ClinGen allele CA452758893.

ClinVar aggregate classification (germline): Likely benign (1 of 4 stars; one submission).

Submission:

GeneDx
Classification: Likely benign. Last evaluated: 2017-05-11. Review status: criteria provided, single submitter. Criteria: GeneDx Variant Classification (06012015). Collection method: clinical testing. Allele origin: germline. Affected: yes.
Comment: This variant is considered likely benign or benign based on one or more of the following criteria: it is a conservative change, it occurs at a poorly conserved position in the protein, it is predicted to be benign by multiple in silico algorithms, and/or has population frequency not consistent with disease.